The following is an entry in ClinVar:

ClinVar aggregate classification (germline): Uncertain significance (1 of 4 stars; one submission).

Submission:

GeneDx
Classification: Uncertain significance. Last evaluated: 2024-03-28. Review status: criteria provided, single submitter. Criteria: GeneDx Variant Classification Process June 2021. Collection method: clinical testing. Allele origin: germline. Affected: yes.
Comment: Not observed at significant frequency in large population cohorts (gnomAD); In silico analysis supports that this missense variant has a deleterious effect on protein structure/function; Has not been previously published as pathogenic or benign to our knowledge; This variant is associated with the following publications: (PMID: 30343943)

NM_001205293.3(CACNA1E):c.2084T>C (p.Leu695Pro)

Gene: CACNA1E (calcium voltage-gated channel subunit alpha1 E; plus strand). Cytogenetic location: 1q25.3.
Variant type: single nucleotide variant.
Coding change: c.2084T>C on transcript NM_001205293.3 (MANE Select); coding-DNA position 2084, T replaced by C.
Protein change: p.Leu695Pro; replaces leucine 695 with proline.
Molecular consequence: missense variant.
Genome position (GRCh38, 1-based): chr1:181,724,479, T>C. VCF-style: chr1-181724479-T-C. GRCh37 (hg19) VCF-style: chr1-181693615-T-C.
Other names: c.2084T>C, p.Leu695Pro (NM_000721.4, NM_001205294.2); short protein forms L695P.
Identifiers: ClinVar variation 3371802 (VCV003371802.1).